The following is an entry in ClinVar:

ClinVar aggregate classification (germline): Uncertain significance. Review status: criteria provided, multiple submitters, no conflicts (2 of 4 stars). 2 submissions from 2 submitters: Uncertain significance (2). Last evaluated 2025-04-01.

Conditions:
NEXMIF-related disorder. Also called: NEXMIF-related condition.

Allele frequency attached by ClinVar (database versions not stated): gnomAD exomes 0.00001.
gnomAD v4.1: 10 of 1,211,433 alleles (0.00083%); highest among the groups gnomAD compares: Non-Finnish European, 0.0011%; no homozygotes.

Submissions (2):

Labcorp Genetics (formerly Invitae), Labcorp
Classification: Uncertain significance. Last evaluated: 2025-04-01. Review status: criteria provided, single submitter. Criteria: Invitae Variant Classification Sherloc (09022015). Collection method: clinical testing. Allele origin: germline.
Comment: This sequence change replaces threonine, which is neutral and polar, with asparagine, which is neutral and polar, at codon 220 of the NEXMIF protein (p.Thr220Asn). This variant is not present in population databases (gnomAD no frequency). This variant has not been reported in the literature in individuals affected with NEXMIF-related conditions. ClinVar contains an entry for this variant (Variation ID: 1045777). An algorithm developed to predict the effect of missense changes on protein structure and function (PolyPhen-2) suggests that this variant is likely to be tolerated. In summary, the available evidence is currently insufficient to determine the role of this variant in disease. Therefore, it has been classified as a Variant of Uncertain Significance.

PreventionGenetics, part of Exact Sciences
Classification: Uncertain significance for NEXMIF-related condition. Last evaluated: 2023-02-22. Review status: criteria provided, single submitter. Criteria: ACMG Guidelines, 2015. Collection method: clinical testing. Allele origin: germline.
Comment: The NEXMIF c.659C>A variant is predicted to result in the amino acid substitution p.Thr220Asn. To our knowledge, this variant has not been reported in the literature or in a large population database, indicating this variant is rare. At this time, the clinical significance of this variant is uncertain due to the absence of conclusive functional and genetic evidence.

NM_001008537.3(NEXMIF):c.659C>A (p.Thr220Asn)

Gene: NEXMIF (neurite extension and migration factor; minus strand). Cytogenetic location: Xq13.3.
Variant type: single nucleotide variant.
Coding change: c.659C>A on transcript NM_001008537.3 (MANE Select); coding-DNA position 659, C replaced by A.
Protein change: p.Thr220Asn; replaces threonine 220 with asparagine.
Molecular consequence: missense variant.
Genome position (GRCh38, 1-based): chrX:74,743,898, G>T on the plus strand (C>A on the coding strand, the complement: NEXMIF is on the minus strand). VCF-style: chrX-74743898-G-T. GRCh37 (hg19) VCF-style: chrX-73963733-G-T.
Other names: c.659C>A (NM_001008537.2); short protein forms T220N.
Identifiers: ClinVar variation 1045777 (VCV001045777.9), dbSNP rs778374350, ClinGen allele CA331301809.
Genomic context (GRCh38, chrX:74,743,898, plus strand): 5'-AGTAATGCCTCATAATAGCTTTTCTGAGCCGGATCCTCCAAGTCAATGTCAGGTTTCTCA[G>T]TTTCTCGTCTGTCTCCTGCCCTTGACTTATGCAGGGGGAAGCCTAGGAGCTGGTCTGAGA-3'
Protein context (NP_001008537.1, residues 210-230): HKSRAGDRRE[Thr220Asn]EKPDIDLEDP